The following is an entry in ClinVar:

ClinVar aggregate classification (germline): Uncertain significance (1 of 4 stars; one submission).

Conditions:
Glycogen storage disease, type II (IOPD). Also called: Glycogen storage disease type 2; Acid maltase deficiency disease; Aglucosidase alfa; Deficiency of alpha-glucosidase; Deficiency of lysosomal alpha-glucosidase; Pompe Disease. Identifiers: Orphanet 365, MedGen C0017921, MONDO:0009290, OMIM 232300.

gnomAD v4.1: 1 of 1,612,032 alleles (0.000062%); highest among the groups gnomAD compares: Non-Finnish European, 0.000085%; no homozygotes.

Submission:

Labcorp Genetics (formerly Invitae), Labcorp
Classification: Uncertain significance for Glycogen storage disease, type II. Last evaluated: 2021-08-26. Review status: criteria provided, single submitter. Criteria: Invitae Variant Classification Sherloc (09022015). Collection method: clinical testing. Allele origin: germline.
Comment: This sequence change replaces asparagine with threonine at codon 815 of the GAA protein (p.Asn815Thr). The asparagine residue is highly conserved and there is a small physicochemical difference between asparagine and threonine. This variant is not present in population databases (ExAC no frequency). This variant has not been reported in the literature in individuals affected with GAA-related conditions. Algorithms developed to predict the effect of missense changes on protein structure and function are either unavailable or do not agree on the potential impact of this missense change (SIFT: "Tolerated"; PolyPhen-2: "Possibly Damaging"; Align-GVGD: "Class C0"). In summary, the available evidence is currently insufficient to determine the role of this variant in disease. Therefore, it has been classified as a Variant of Uncertain Significance.

NM_000152.5(GAA):c.2444A>C (p.Asn815Thr)

Gene: GAA (alpha glucosidase; plus strand). Cytogenetic location: 17q25.3.
Variant type: single nucleotide variant.
Coding change: c.2444A>C on transcript NM_000152.5 (MANE Select); coding-DNA position 2444, A replaced by C.
Protein change: p.Asn815Thr; replaces asparagine 815 with threonine.
Molecular consequence: missense variant.
Genome position (GRCh38, 1-based): chr17:80,117,712, A>C. VCF-style: chr17-80117712-A-C. GRCh37 (hg19) VCF-style: chr17-78091511-A-C.
Other names: c.2444A>C, p.Asn815Thr (NM_001079803.3, NM_001079804.3); short protein forms N815T.
Identifiers: ClinVar variation 1020834 (VCV001020834.6), dbSNP rs1365945556, ClinGen allele CA401325230.